The following is an entry in ClinVar:

NM_000780.4(CYP7A1):c.1264A>G (p.Thr422Ala)

Gene: CYP7A1 (cytochrome P450 family 7 subfamily A member 1; minus strand). Cytogenetic location: 8q12.1.
Variant type: single nucleotide variant.
Coding change: c.1264A>G on transcript NM_000780.4 (MANE Select); coding-DNA position 1264, A replaced by G.
Protein change: p.Thr422Ala; replaces threonine 422 with alanine.
Molecular consequence: missense variant.
Genome position (GRCh38, 1-based): chr8:58,491,726, T>C on the plus strand (A>G on the coding strand, the complement: CYP7A1 is on the minus strand). VCF-style: chr8-58491726-T-C. GRCh37 (hg19) VCF-style: chr8-59404285-T-C.
Other names: short protein forms T422A.
Identifiers: ClinVar variation 4773706 (VCV004773706.1).

ClinVar aggregate classification (germline): Uncertain significance (1 of 4 stars; one submission).

Submission:

Labcorp Genetics (formerly Invitae), Labcorp
Classification: Uncertain significance. Last evaluated: 2026-01-14. Review status: criteria provided, single submitter. Criteria: Invitae Variant Classification Sherloc (09022015). Collection method: clinical testing. Allele origin: germline.
Comment: This sequence change replaces threonine, which is neutral and polar, with alanine, which is neutral and non-polar, at codon 422 of the CYP7A1 protein (p.Thr422Ala). This variant is not present in population databases (gnomAD no frequency). This variant has not been reported in the literature in individuals affected with CYP7A1-related conditions. An algorithm developed to predict the effect of missense changes on protein structure and function outputs the following: PolyPhen-2: "Benign". The alanine amino acid residue is found in multiple mammalian species, which suggests that this missense change does not adversely affect protein function. In summary, the available evidence is currently insufficient to determine the role of this variant in disease. Therefore, it has been classified as a Variant of Uncertain Significance.